The following is an entry in ClinVar:

NM_025114.4(CEP290):c.2215A>G (p.Lys739Glu)

Gene: CEP290 (centrosomal protein 290; minus strand). Cytogenetic location: 12q21.32.
Variant type: single nucleotide variant.
Coding change: c.2215A>G on transcript NM_025114.4 (MANE Select); coding-DNA position 2215, A replaced by G.
Protein change: p.Lys739Glu; replaces lysine 739 with glutamic acid.
Molecular consequence: missense variant.
Genome position (GRCh38, 1-based): chr12:88,111,696, T>C on the plus strand (A>G on the coding strand, the complement: CEP290 is on the minus strand). VCF-style: chr12-88111696-T-C. GRCh37 (hg19) VCF-style: chr12-88505473-T-C.
Other names: short protein forms K739E.
Identifiers: ClinVar variation 4000856 (VCV004000856.2).
Genomic context (GRCh38, chr12:88,111,696, plus strand): 5'-TCCTATTAAATCTACATTCTTATGTTTAGCATTTTCTTTTATTTAATAAAATTCTCACCT[T>C]TAAATTAGCTTTTGCCAACTGCTGTGAATAATTTATAGCCTCTTTCCGAGATTCCCTGAG-3'
Protein context (NP_079390.3, residues 729-749): YSQQLAKANL[Lys739Glu]IDHLEKETSL

ClinVar aggregate classification (germline): Uncertain significance. Review status: criteria provided, multiple submitters, no conflicts (2 of 4 stars). 2 submissions from 2 submitters: Uncertain significance (2). Last evaluated 2026-03-13.

Conditions:
Inborn genetic diseases. Identifiers: MedGen C0950123, MeSH D030342.
CEP290-related disorder. Also called: CEP290-related condition; CEP290-related disorders. Identifiers: MedGen CN239314.

gnomAD v4.1: 2 of 1,576,140 alleles (0.00013%); highest among the groups gnomAD compares: Non-Finnish European, 0.00017%; no homozygotes.

Submissions (2):

PreventionGenetics, part of Exact Sciences
Classification: Uncertain significance for CEP290-related condition. Last evaluated: 2026-03-13. Review status: criteria provided, single submitter. Criteria: ACMG Guidelines, 2015. Collection method: clinical testing. Allele origin: germline.
Comment: The CEP290 c.2215A>G variant is predicted to result in the amino acid substitution p.Lys739Glu. To our knowledge, this variant has not been reported in the literature or in a large population database (gnomAD), indicating this variant is rare. At this time, the clinical significance of this variant is uncertain due to the absence of conclusive functional and genetic evidence.

Ambry Genetics
Classification: Uncertain significance for Inborn genetic diseases. Last evaluated: 2025-05-23. Review status: criteria provided, single submitter. Criteria: Ambry Variant Classification Scheme 2023. Collection method: clinical testing. Allele origin: germline.